The following is an entry in ClinVar:

ClinVar aggregate classification (germline): Uncertain significance. Review status: criteria provided, multiple submitters, no conflicts (2 of 4 stars). 2 submissions from 2 submitters: Uncertain significance (2). Last evaluated 2024-06-19.

Submissions (2):

Labcorp Genetics (formerly Invitae), Labcorp
Classification: Uncertain significance. Last evaluated: 2024-06-19. Review status: criteria provided, single submitter. Criteria: Invitae Variant Classification Sherloc (09022015). Collection method: clinical testing. Allele origin: germline.
Comment: This sequence change replaces threonine, which is neutral and polar, with serine, which is neutral and polar, at codon 530 of the LZTR1 protein (p.Thr530Ser). This variant is not present in population databases (gnomAD no frequency). This variant has not been reported in the literature in individuals affected with LZTR1-related conditions. ClinVar contains an entry for this variant (Variation ID: 2652931). Advanced modeling of protein sequence and biophysical properties (such as structural, functional, and spatial information, amino acid conservation, physicochemical variation, residue mobility, and thermodynamic stability) performed at Invitae indicates that this missense variant is not expected to disrupt LZTR1 protein function with a negative predictive value of 80%. In summary, the available evidence is currently insufficient to determine the role of this variant in disease. Therefore, it has been classified as a Variant of Uncertain Significance.

CeGaT Center for Human Genetics Tuebingen
Classification: Uncertain significance. Last evaluated: 2022-06-01. Review status: criteria provided, single submitter. Criteria: CeGaT Center For Human Genetics Tuebingen Variant Classification Criteria Version 2. Collection method: clinical testing. Allele origin: germline. Affected: yes. Observed: 1 variant allele.
Comment: LZTR1: PM2

NM_006767.4(LZTR1):c.1589C>G (p.Thr530Ser)

Gene: LZTR1 (leucine zipper like post translational regulator 1; plus strand). Cytogenetic location: 22q11.21.
Variant type: single nucleotide variant.
Coding change: c.1589C>G on transcript NM_006767.4 (MANE Select); coding-DNA position 1589, C replaced by G.
Protein change: p.Thr530Ser; replaces threonine 530 with serine.
Molecular consequence: missense variant.
Genome position (GRCh38, 1-based): chr22:20,994,243, C>G. VCF-style: chr22-20994243-C-G. GRCh37 (hg19) VCF-style: chr22-21348532-C-G.
Other names: short protein forms T530S.
Identifiers: ClinVar variation 2652931 (VCV002652931.27), dbSNP rs2518621095, ClinGen allele CA410776164.